The following is an entry in ClinVar:

NM_001369.3(DNAH5):c.119T>G (p.Leu40Ter)

Gene: DNAH5 (dynein axonemal heavy chain 5; minus strand). Cytogenetic location: 5p15.2.
Variant type: single nucleotide variant.
Coding change: c.119T>G on transcript NM_001369.3 (MANE Select); coding-DNA position 119, T replaced by G.
Protein change: p.Leu40Ter; replaces leucine 40 with a stop codon.
Molecular consequence: nonsense.
Genome position (GRCh38, 1-based): chr5:13,931,183, A>C on the plus strand (T>G on the coding strand, the complement: DNAH5 is on the minus strand). VCF-style: chr5-13931183-A-C. GRCh37 (hg19) VCF-style: chr5-13931292-A-C.
Other names: short protein forms L40*.
Identifiers: ClinVar variation 3670467 (VCV003670467.2).

ClinVar aggregate classification (germline): Pathogenic (1 of 4 stars; one submission).

Conditions:
Primary ciliary dyskinesia. Also called: Ciliary dyskinesia. Identifiers: Orphanet 244, MedGen C0008780, MONDO:0016575, HP:0012265.

gnomAD v4.1: 4 of 1,614,136 alleles (0.00025%); highest among the groups gnomAD compares: African/African-American, 0.0013%; no homozygotes.

Submission:

Labcorp Genetics (formerly Invitae), Labcorp
Classification: Pathogenic for Primary ciliary dyskinesia. Last evaluated: 2024-04-25. Review status: criteria provided, single submitter. Criteria: Invitae Variant Classification Sherloc (09022015). Collection method: clinical testing. Allele origin: germline.
Comment: This sequence change creates a premature translational stop signal (p.Leu40*) in the DNAH5 gene. It is expected to result in an absent or disrupted protein product. Loss-of-function variants in DNAH5 are known to be pathogenic (PMID: 11788826, 16627867). This variant is present in population databases (no rsID available, gnomAD 0.002%). This variant has not been reported in the literature in individuals affected with DNAH5-related conditions. For these reasons, this variant has been classified as Pathogenic.

Literature cited by the submitters: PubMed 11788826; PubMed 16627867.